The following is an entry in ClinVar:

ClinVar aggregate classification (germline): Uncertain significance (1 of 4 stars; one submission).

Allele frequency attached by ClinVar (database versions not stated): gnomAD exomes below 0.00001.
gnomAD v4.1: 1 of 1,614,104 alleles (0.000062%); highest among the groups gnomAD compares: Non-Finnish European, 0.000085%; no homozygotes.

Submission:

Labcorp Genetics (formerly Invitae), Labcorp
Classification: Uncertain significance. Last evaluated: 2021-08-19. Review status: criteria provided, single submitter. Criteria: Invitae Variant Classification Sherloc (09022015). Collection method: clinical testing. Allele origin: germline.
Comment: In summary, the available evidence is currently insufficient to determine the role of this variant in disease. Therefore, it has been classified as a Variant of Uncertain Significance. Algorithms developed to predict the effect of missense changes on protein structure and function output the following: SIFT: "Deleterious"; PolyPhen-2: "Benign"; Align-GVGD: "Class C0". The glycine amino acid residue is found in multiple mammalian species, which suggests that this missense change does not adversely affect protein function. This variant has not been reported in the literature in individuals affected with ALPK3-related conditions. This variant is not present in population databases (ExAC no frequency). This sequence change replaces serine with glycine at codon 850 of the ALPK3 protein (p.Ser850Gly). The serine residue is moderately conserved and there is a small physicochemical difference between serine and glycine.

NM_020778.5(ALPK3):c.1942A>G (p.Ser648Gly)

Gene: ALPK3 (alpha kinase 3; plus strand). Cytogenetic location: 15q25.3.
Variant type: single nucleotide variant.
Coding change: c.1942A>G on transcript NM_020778.5 (MANE Select); coding-DNA position 1942, A replaced by G.
Protein change: p.Ser648Gly; replaces serine 648 with glycine.
Molecular consequence: missense variant.
Genome position (GRCh38, 1-based): chr15:84,856,680, A>G. VCF-style: chr15-84856680-A-G. GRCh37 (hg19) VCF-style: chr15-85399911-A-G.
Other names: short protein forms S648G.
Identifiers: ClinVar variation 1474521 (VCV001474521.6), dbSNP rs2141567342, ClinGen allele CA393355329.